The following is an entry in ClinVar:

NM_000232.5(SGCB):c.460_482del (p.Ser154fs)

Gene: SGCB (sarcoglycan beta; minus strand). Cytogenetic location: 4q12.
Variant type: Deletion.
Coding change: c.460_482del on transcript NM_000232.5 (MANE Select); coding-DNA positions 460 to 482, 23 bases deleted (AGTGTAGAAAACAACAAAACTTC).
Protein change: p.Ser154fs; shifts the reading frame from serine 154.
Molecular consequence: frameshift variant.
Genome position (GRCh38, 1-based): chr4:52,028,869-52,028,891, GAAGTTTTGTTGTTTTCTACACT deleted on the plus strand (AGTGTAGAAAACAACAAAACTTC on the coding strand, the reverse complement: SGCB is on the minus strand); deleting any 23 consecutive bases within chr4:52,028,869-52,028,893 gives the same sequence; the c. name uses the placement nearest the transcript's 3' end. VCF-style (leftmost placement, unchanged base first): chr4-52028868-AGAAGTTTTGTTGTTTTCTACACT-A. GRCh37 (hg19) VCF-style: chr4-52895034-AGAAGTTTTGTTGTTTTCTACACT-A.
Other names: short protein forms S154fs.
Identifiers: ClinVar variation 2752736 (VCV002752736.3), dbSNP rs765139006, ClinGen allele CA2918382.

ClinVar aggregate classification (germline): Pathogenic (1 of 4 stars; one submission).

Conditions:
Autosomal recessive limb-girdle muscular dystrophy type 2E (LGMDR4). Also called: MUSCULAR DYSTROPHY, LIMB-GIRDLE, AUTOSOMAL RECESSIVE 4. Identifiers: Orphanet 119, MedGen C1858593, MONDO:0011423, OMIM 604286. Disease mechanism: Affects gamma-sarcoglycan and also disrupts the integrity of the entire sarcoglycan complex..

Submission:

Labcorp Genetics (formerly Invitae), Labcorp
Classification: Pathogenic for Autosomal recessive limb-girdle muscular dystrophy type 2E. Last evaluated: 2023-08-16. Review status: criteria provided, single submitter. Criteria: Invitae Variant Classification Sherloc (09022015). Collection method: clinical testing. Allele origin: germline.
Comment: This variant is present in population databases (rs765139006, gnomAD 0.006%). For these reasons, this variant has been classified as Pathogenic. This variant has not been reported in the literature in individuals affected with SGCB-related conditions. This sequence change creates a premature translational stop signal (p.Ser154Tyrfs*4) in the SGCB gene. It is expected to result in an absent or disrupted protein product. Loss-of-function variants in SGCB are known to be pathogenic (PMID: 15938573, 18285821).

Literature cited by the submitters: PubMed 15938573; PubMed 18285821.